The following is an entry in ClinVar:

ClinVar aggregate classification (germline): Uncertain significance (1 of 4 stars; one submission).

Conditions:
Epidermolysis bullosa simplex with nail dystrophy (EBS5D). Identifiers: MedGen C4225309, MONDO:0014661, OMIM 616487.
Epidermolysis bullosa simplex, Ogna type (EBS5A). Also called: Pidermolysis bullosa simplex 5A, Ogna type; EPIDERMOLYSIS BULLOSA SIMPLEX 5A, OGNA TYPE. Identifiers: Orphanet 79401, MedGen C0432317, MONDO:0007555, OMIM 131950.
Autosomal recessive limb-girdle muscular dystrophy type 2Q (LGMDR17). Also called: MUSCULAR DYSTROPHY, LIMB-GIRDLE, AUTOSOMAL RECESSIVE 17. Identifiers: Orphanet 254361, MedGen C3150989, MONDO:0013390, OMIM 613723.
Epidermolysis bullosa simplex 5B, with muscular dystrophy (EBS5B). Also called: EPIDERMOLYSIS BULLOSA SIMPLEX AND LIMB-GIRDLE MUSCULAR DYSTROPHY; Epidermolysis bullosa simplex with muscular dystrophy. Identifiers: Orphanet 257, MedGen C2931072, MONDO:0009181, OMIM 226670.
Epidermolysis bullosa simplex 5C, with pyloric atresia (EBS5C). Also called: PLEC-Related Epidermolysis Bullosa with Pyloric Atresia; Epidermolysis bullosa simplex with pyloric atresia; PLEC1-Related Epidermolysis Bullosa with Pyloric Atresia. Identifiers: Orphanet 158684, MedGen C2677349, MONDO:0012807, OMIM 612138.

Submission:

Labcorp Genetics (formerly Invitae), Labcorp
Classification: Uncertain significance for Autosomal recessive limb-girdle muscular dystrophy type 2Q; Epidermolysis bullosa simplex, Ogna type; Epidermolysis bullosa simplex with nail dystrophy; Epidermolysis bullosa simplex 5C, with pyloric atresia; Epidermolysis bullosa simplex 5B, with muscular dystrophy. Last evaluated: 2025-08-18. Review status: criteria provided, single submitter. Criteria: Invitae Variant Classification Sherloc (09022015). Collection method: clinical testing. Allele origin: germline.
Comment: This sequence change replaces glutamic acid, which is acidic and polar, with aspartic acid, which is acidic and polar, at codon 665 of the PLEC protein (p.Glu665Asp). This variant is not present in population databases (gnomAD no frequency). This variant has not been reported in the literature in individuals affected with PLEC-related conditions. ClinVar contains an entry for this variant (Variation ID: 2939016). Invitae Evidence Modeling of protein sequence and biophysical properties (such as structural, functional, and spatial information, amino acid conservation, physicochemical variation, residue mobility, and thermodynamic stability) has been performed for this missense variant. However, the output from this modeling did not meet the statistical confidence thresholds required to predict the impact of this variant on PLEC protein function. In summary, the available evidence is currently insufficient to determine the role of this variant in disease. Therefore, it has been classified as a Variant of Uncertain Significance.

NM_201384.3(PLEC):c.1914G>C (p.Glu638Asp)

Gene: PLEC (plectin; minus strand). Cytogenetic location: 8q24.3.
Variant type: single nucleotide variant.
Coding change: c.1914G>C on transcript NM_201384.3 (MANE Select); coding-DNA position 1914, G replaced by C.
Protein change: p.Glu638Asp; replaces glutamic acid 638 with aspartic acid.
Molecular consequence: missense variant.
Genome position (GRCh38, 1-based): chr8:143,932,463, C>G on the plus strand (G>C on the coding strand, the complement: PLEC is on the minus strand). VCF-style: chr8-143932463-C-G. GRCh37 (hg19) VCF-style: chr8-145006631-C-G.
Other names: c.1995G>C, p.Glu665Asp (NM_000445.5, NM_001410941.1); c.1872G>C, p.Glu624Asp (NM_201378.4); c.1848G>C, p.Glu616Asp (NM_201379.3); c.2325G>C, p.Glu775Asp (NM_201380.4); c.1818G>C, p.Glu606Asp (NM_201381.3); c.1914G>C, p.Glu638Asp (NM_201382.4); c.1926G>C, p.Glu642Asp (NM_201383.3); short protein forms E606D, E638D, E616D, E665D, E624D, E642D, E775D.
Identifiers: ClinVar variation 2939016 (VCV002939016.3), dbSNP rs782191395, ClinGen allele CA372578184.